The following is an entry in ClinVar:

NM_199420.4(POLQ):c.4789G>A (p.Val1597Ile)

Gene: POLQ (DNA polymerase theta; minus strand). Cytogenetic location: 3q13.33.
Variant type: single nucleotide variant.
Coding change: c.4789G>A on transcript NM_199420.4 (MANE Select); coding-DNA position 4789, G replaced by A.
Protein change: p.Val1597Ile; replaces valine 1597 with isoleucine.
Molecular consequence: missense variant.
Genome position (GRCh38, 1-based): chr3:121,488,142, C>T on the plus strand (G>A on the coding strand, the complement: POLQ is on the minus strand). VCF-style: chr3-121488142-C-T. GRCh37 (hg19) VCF-style: chr3-121206989-C-T.
Other names: short protein forms V1597I.
Identifiers: ClinVar variation 3230015 (VCV003230015.1), dbSNP rs2546785513, ClinGen allele CA354093831.
Genomic context (GRCh38, chr3:121,488,142, plus strand): 5'-TTTCAGCCCTTTCATCTTGATCTCCTCCATCTTGATCACCTTGGTGGTGCTCATCAAGTA[C>T]TGGATCACTTAGTTCTAATGCTCTAGGAGATACTACAGTATGATTCTTCTCTTGGACAGG-3'
Protein context (NP_955452.3, residues 1587-1607): SPRALELSDP[Val1597Ile]LDEHHQGDQD

ClinVar aggregate classification (germline): Uncertain significance (1 of 4 stars; one submission).

Submission:

Ambry Genetics
Classification: Uncertain significance. Last evaluated: 2024-03-03. Review status: criteria provided, single submitter. Criteria: Ambry Variant Classification Scheme 2023. Collection method: clinical testing. Allele origin: germline.
Comment: The p.V1597I variant (also known as c.4789G>A), located in coding exon 16 of the POLQ gene, results from a G to A substitution at nucleotide position 4789. The valine at codon 1597 is replaced by isoleucine, an amino acid with highly similar properties. This amino acid position is conserved. In addition, this alteration is predicted to be tolerated by in silico analysis. Based on the available evidence, the clinical significance of this alteration remains unclear.